The following is an entry in ClinVar:

NM_017849.4(TMEM127):c.627_640dup (p.Met214fs)

Gene: TMEM127 (transmembrane protein 127; minus strand). Cytogenetic location: 2q11.2.
Variant type: Duplication.
Coding change: c.627_640dup on transcript NM_017849.4 (MANE Select); coding-DNA positions 627 to 640, 14 bases duplicated (GCTGCTCTCAGAGA).
Protein change: p.Met214fs; shifts the reading frame from methionine 214.
Molecular consequence: frameshift variant.
Genome position (GRCh38, 1-based): chr2:96,253,885-96,253,898, TCTCTGAGAGCAGC duplicated on the plus strand (GCTGCTCTCAGAGA on the coding strand, the reverse complement: TMEM127 is on the minus strand); duplicating any 14 consecutive bases within chr2:96,253,885-96,253,900 gives the same sequence; the c. name uses the placement nearest the transcript's 3' end. VCF-style (leftmost placement, unchanged base first): chr2-96253884-A-ATCTCTGAGAGCAGC. GRCh37 (hg19) VCF-style: chr2-96919622-A-ATCTCTGAGAGCAGC.
Other names: c.627_640dup, p.Met214fs (NM_001193304.3); short protein forms M214fs.
Identifiers: ClinVar variation 126973 (VCV000126973.2), dbSNP rs121908831, ClinGen allele CA269763.

ClinVar aggregate classification (germline): Likely pathogenic (0 of 4 stars; one submission).

Conditions:
Pheochromocytoma. Also called: MAX-Related Hereditary Paraganglioma-Pheochromocytoma Syndrome. Identifiers: Orphanet 29072, MedGen C0031511, MONDO:0008233, OMIM 171300, HP:0002666.

Submission:

Familial Cancer Clinic, Veneto Institute of Oncology
Classification: Likely pathogenic for Pheochromocytoma. Review status: no assertion criteria provided. Collection method: not provided. Allele origin: germline.
ClinVar note: Converted during submission from likely pathogenic - adrenal bilateral pheochromocy to Likely pathogenic.